The following is an entry in ClinVar:

NM_004795.4(KL):c.1767C>T (p.His589=)

Gene: KL (klotho; plus strand). Cytogenetic location: 13q13.1.
Variant type: single nucleotide variant.
Coding change: c.1767C>T on transcript NM_004795.4 (MANE Select); coding-DNA position 1767, C replaced by T.
Protein change: p.His589=; no amino-acid change (histidine 589 retained).
Molecular consequence: synonymous variant.
Genome position (GRCh38, 1-based): chr13:33,060,846, C>T. VCF-style: chr13-33060846-C-T. GRCh37 (hg19) VCF-style: chr13-33634983-C-T.
Other names: p.His589=.
Identifiers: ClinVar variation 311698 (VCV000311698.19), dbSNP rs564481, ClinGen allele CA6944175.

ClinVar aggregate classification (germline): Benign. Review status: criteria provided, multiple submitters, no conflicts (2 of 4 stars). 7 submissions from 7 submitters: Benign (7). Last evaluated 2026-02-04.

Conditions:
Tumoral calcinosis, hyperphosphatemic, familial, 3. Identifiers: MedGen C4693864, MONDO:0060715, OMIM 617994.

Allele frequency attached by ClinVar (database versions not stated): 1000 Genomes Project 0.24920; 1000 Genomes Project 30x 0.24984; ESP Exome Variant Server 0.30401; gnomAD 0.30857 and 0.30945; TOPMed 0.31043.
gnomAD v4.1: 613,926 of 1,614,016 alleles (38%); highest among the groups gnomAD compares: Admixed American, 52%; 122,702 homozygotes.

Submissions (7):

Labcorp Genetics (formerly Invitae), Labcorp
Classification: Benign. Last evaluated: 2026-02-04. Review status: criteria provided, single submitter. Criteria: Invitae Variant Classification Sherloc (09022015). Collection method: clinical testing. Allele origin: germline.

Blueprint Genetics
Classification: Benign. Last evaluated: 2024-11-27. Review status: criteria provided, single submitter. Criteria: ACMG Guidelines, 2015. Collection method: clinical testing. Allele origin: germline.

Mayo Clinic Laboratories, Mayo Clinic
Classification: Benign. Last evaluated: 2022-03-09. Review status: criteria provided, single submitter. Criteria: ACMG Guidelines, 2015. Collection method: clinical testing. Allele origin: germline. Observed: 105 variant alleles.

Genome-Nilou Lab
Classification: Benign for Tumoral calcinosis, hyperphosphatemic, familial, 3. Last evaluated: 2021-08-19. Review status: criteria provided, single submitter. Criteria: ACMG Guidelines, 2015. Collection method: clinical testing. Allele origin: germline. Affected: no.

GeneDx
Classification: Benign. Last evaluated: 2018-11-12. Review status: criteria provided, single submitter. Criteria: GeneDx Variant Classification Process June 2021. Collection method: clinical testing. Allele origin: germline. Affected: yes.

Illumina Laboratory Services, Illumina
Classification: Benign for Tumoral calcinosis, hyperphosphatemic, familial, 3. Last evaluated: 2018-01-12. Review status: criteria provided, single submitter. Criteria: ICSL Variant Classification Criteria 13 December 2019. Collection method: clinical testing. Allele origin: germline.
Comment: This variant was observed in the ICSL laboratory as part of a predisposition screen in an ostensibly healthy population. It had not been previously curated by ICSL or reported in the Human Gene Mutation Database (HGMD: prior to June 1st, 2018), and was therefore a candidate for classification through an automated scoring system. Utilizing variant allele frequency, disease prevalence and penetrance estimates, and inheritance mode, an automated score was calculated to assess if this variant is too frequent to cause the disease. Based on the score and internal cut-off values, a variant classified as benign is not then subjected to further curation. The score for this variant resulted in a classification of benign for this disease.

Breakthrough Genomics
Classification: Benign. Review status: criteria provided, single submitter. Criteria: ACMG Guidelines, 2015. Collection method: not provided. Allele origin: germline. Inheritance: Autosomal recessive inheritance. Affected: yes.